The following is an entry in ClinVar:

ClinVar aggregate classification (germline): Likely benign (0 of 4 stars; one submission).

Conditions:
ESRRB-related disorder. Also called: ESRRB-related condition.

gnomAD v4.1: 4 of 1,548,894 alleles (0.00026%); highest among the groups gnomAD compares: Middle Eastern, 0.017%; no homozygotes.

Submission:

PreventionGenetics, part of Exact Sciences
Classification: Likely benign for ESRRB-related condition. Last evaluated: 2019-09-17. Review status: no assertion criteria provided. Collection method: clinical testing. Allele origin: germline.
Comment: This variant is classified as likely benign based on ACMG/AMP sequence variant interpretation guidelines (Richards et al. 2015 PMID: 25741868, with internal and published modifications).

NM_001379180.1(ESRRB):c.*1616T>C

Gene: ESRRB (estrogen related receptor beta; plus strand). Cytogenetic location: 14q24.3.
Variant type: single nucleotide variant.
Coding change: c.*1616T>C on transcript NM_001379180.1 (MANE Select); 1616 bases downstream of the stop codon, T replaced by C.
Molecular consequence: 3 prime UTR variant. On other transcripts: intron variant (1).
Genome position (GRCh38, 1-based): chr14:76,500,074, T>C. VCF-style: chr14-76500074-T-C. GRCh37 (hg19) VCF-style: chr14-76966417-T-C.
Other names: c.*1616T>C (NM_001411038.1); c.1500+8T>C (NM_004452.4).
Identifiers: ClinVar variation 3355031 (VCV003355031.1).